The following is an entry in ClinVar:

ClinVar aggregate classification (germline): Uncertain significance. Review status: criteria provided, multiple submitters, no conflicts (2 of 4 stars). 2 submissions from 2 submitters: Uncertain significance (2). Last evaluated 2026-05-18.

Conditions:
Inborn genetic diseases. Identifiers: MedGen C0950123, MeSH D030342.

gnomAD v4.1: 1 of 1,614,118 alleles (0.000062%); highest among the groups gnomAD compares: East Asian, 0.0022%; no homozygotes.

Submissions (2):

Ambry Genetics
Classification: Uncertain significance for Inborn genetic diseases. Last evaluated: 2026-05-18. Review status: criteria provided, single submitter. Criteria: Ambry Variant Classification Scheme 2023. Collection method: clinical testing. Allele origin: germline.
Comment: The p.Q89H variant (also known as c.267A>C), located in coding exon 1 of the SAMD9L gene, results from an A to C substitution at nucleotide position 267. The glutamine at codon 89 is replaced by histidine, an amino acid with highly similar properties. This amino acid position is conserved. In addition, this alteration is predicted to be tolerated by in silico analysis. Based on the available evidence, the clinical significance of this variant remains unclear.

GeneDx
Classification: Uncertain significance. Last evaluated: 2023-10-04. Review status: criteria provided, single submitter. Criteria: GeneDx Variant Classification Process June 2021. Collection method: clinical testing. Allele origin: germline. Affected: yes.
Comment: Not observed at significant frequency in large population cohorts (gnomAD); In silico analysis supports that this missense variant does not alter protein structure/function; Has not been previously published as pathogenic or benign to our knowledge

NM_152703.5(SAMD9L):c.267A>C (p.Gln89His)

Gene: SAMD9L (sterile alpha motif domain containing 9 like; minus strand). Cytogenetic location: 7q21.2.
Variant type: single nucleotide variant.
Coding change: c.267A>C on transcript NM_152703.5 (MANE Select); coding-DNA position 267, A replaced by C.
Protein change: p.Gln89His; replaces glutamine 89 with histidine.
Molecular consequence: missense variant.
Genome position (GRCh38, 1-based): chr7:93,135,705, T>G on the plus strand (A>C on the coding strand, the complement: SAMD9L is on the minus strand). VCF-style: chr7-93135705-T-G. GRCh37 (hg19) VCF-style: chr7-92765018-T-G.
Other names: c.267A>C, p.Gln89His (NM_001303496.3, NM_001303497.3, NM_001303498.3 and 5 more transcripts); c.267A>C (NM_152703.2); short protein forms Q89H.
Identifiers: ClinVar variation 3252641 (VCV003252641.2), dbSNP rs1792414437.